The following is an entry in ClinVar:

NM_001267550.2(TTN):c.57070A>G (p.Ile19024Val)

Genes: TTN (titin; minus strand), TTN-AS1 (TTN antisense RNA 1; plus strand). Cytogenetic location: 2q31.2.
Variant type: single nucleotide variant.
Coding change: c.57070A>G on transcript NM_001267550.2 (MANE Select); coding-DNA position 57070, A replaced by G.
Protein change: p.Ile19024Val; replaces isoleucine 19024 with valine.
Molecular consequence: missense variant.
Genome position (GRCh38, 1-based): chr2:178,598,547, T>C on the plus strand (A>G on the coding strand, the complement: TTN is on the minus strand). VCF-style: chr2-178598547-T-C. GRCh37 (hg19) VCF-style: chr2-179463274-T-C.
Other names: c.49366A>G, p.Ile16456Val (NM_133378.4); c.52147A>G, p.Ile17383Val (NM_001256850.1); c.29875A>G, p.Ile9959Val (NM_003319.4); c.30250A>G, p.Ile10084Val (NM_133432.3); c.30451A>G, p.Ile10151Val (NM_133437.4); short protein forms I16456V, I19024V, I17383V, I10084V, I9959V, I10151V.
Identifiers: ClinVar variation 229469 (VCV000229469.10), dbSNP rs876658068, ClinGen allele CA10576512.

ClinVar aggregate classification (germline): Uncertain significance. Review status: criteria provided, multiple submitters, no conflicts (2 of 4 stars). 4 submissions from 4 submitters: Uncertain significance (4). Last evaluated 2026-06-10.

Conditions:
TTN-related disorder. Also called: TTN-related disorders; TTN-related condition; TTN-related disease.
Dilated cardiomyopathy 1G (CMD1G). Identifiers: Orphanet 154, MedGen C1858763, MONDO:0011400, OMIM 604145.
Autosomal recessive limb-girdle muscular dystrophy type 2J (LGMDR10). Also called: Limb-girdle muscular dystrophy, type 2J; MUSCULAR DYSTROPHY, LIMB-GIRDLE, AUTOSOMAL RECESSIVE 10. Identifiers: Orphanet 140922, MedGen C1837342, MONDO:0012127, OMIM 608807.
Early-onset myopathy with fatal cardiomyopathy (CMYO5). Also called: CONGENITAL MYOPATHY 5 WITH CARDIOMYOPATHY; Salih Myopathy. Identifiers: Orphanet 289377, MedGen C2673677, MONDO:0012714, OMIM 611705. Disease mechanism: loss of function.
Tibial muscular dystrophy (TMD). Also called: Tibial muscular dystrophy, tardive; Udd Distal Myopathy – Tibial Muscular Dystrophy; UDD MYOPATHY. Identifiers: Orphanet 609, MedGen C1838244, MONDO:0010870, OMIM 600334.
Myopathy, myofibrillar, 9, with early respiratory failure (MFM9). Also called: Myopathy, distal, with early respiratory failure, autosomal dominant; MYOPATHY, PROXIMAL, WITH EARLY RESPIRATORY MUSCLE INVOLVEMENT; Hereditary myopathy with early respiratory failure; EDSTROM MYOPATHY. Identifiers: Orphanet 178464, Orphanet 34521, MedGen C1863599, MONDO:0011362, OMIM 603689.
Hypertrophic cardiomyopathy 9. Also called: Familial hypertrophic cardiomyopathy 9. Identifiers: MedGen C1861065, MONDO:0013412, OMIM 613765.

Allele frequency attached by ClinVar (database versions not stated): gnomAD exomes below 0.00001; gnomAD 0.00001 and 0.00003; TOPMed 0.00004.
gnomAD v4.1: 6 of 1,609,442 alleles (0.00037%); highest among the groups gnomAD compares: Admixed American, 0.0034%; no homozygotes.

Submissions (4):

PreventionGenetics, part of Exact Sciences
Classification: Uncertain significance for TTN-related condition. Last evaluated: 2026-06-10. Review status: criteria provided, single submitter. Criteria: ACMG Guidelines, 2015. Collection method: clinical testing. Allele origin: germline.
Comment: The TTN c.57070A>G variant is predicted to result in the amino acid substitution p.Ile19024Val. This variant has been reported in an individual with dilated cardiomyopathy (Table S7, Mazzarotto et al. 2020. PubMed ID: 31983221). This variant has not been reported in a large population database (gnomAD), indicating this variant is rare. At this time, the clinical significance of this variant is uncertain due to the absence of conclusive functional and genetic evidence.

Fulgent Genetics
Classification: Uncertain significance for Tibial muscular dystrophy; Myopathy, myofibrillar, 9, with early respiratory failure; Dilated cardiomyopathy 1G; Autosomal recessive limb-girdle muscular dystrophy type 2J; Early-onset myopathy with fatal cardiomyopathy; Hypertrophic cardiomyopathy 9. Last evaluated: 2024-03-04. Review status: criteria provided, single submitter. Criteria: ACMG Guidelines, 2015. Collection method: clinical testing. Allele origin: germline.

Labcorp Genetics (formerly Invitae), Labcorp
Classification: Uncertain significance for Dilated cardiomyopathy 1G; Autosomal recessive limb-girdle muscular dystrophy type 2J. Last evaluated: 2016-08-20. Review status: criteria provided, single submitter. Criteria: Invitae Variant Classification Sherloc (09022015). Collection method: clinical testing. Allele origin: germline.

Laboratory for Molecular Medicine, Mass General Brigham Personalized Medicine
Classification: Uncertain significance. Last evaluated: 2015-04-15. Review status: criteria provided, single submitter. Criteria: LMM Criteria. Collection method: clinical testing. Allele origin: germline. Observed: 1 variant allele.
Comment: The p.Ile16456Val variant in TTN gene has not been previously reported in indivi duals with cardiomyopathy or in large population studies. Computational predicti on tools and conservation analysis do not provide strong support for or against an impact to the protein. In summary, the clinical significance of the p.Ile1645 6Val variant is uncertain.